The following is an entry in ClinVar:

NM_018238.4(AGK):c.562G>A (p.Val188Ile)

Gene: AGK (acylglycerol kinase; plus strand). Cytogenetic location: 7q34.
Variant type: single nucleotide variant.
Coding change: c.562G>A on transcript NM_018238.4 (MANE Select); coding-DNA position 562, G replaced by A.
Protein change: p.Val188Ile; replaces valine 188 with isoleucine.
Molecular consequence: missense variant.
Genome position (GRCh38, 1-based): chr7:141,621,775, G>A. VCF-style: chr7-141621775-G-A. GRCh37 (hg19) VCF-style: chr7-141321575-G-A.
Other names: c.562G>A, p.Val188Ile (NM_001364948.3); short protein forms V188I.
Identifiers: ClinVar variation 1419779 (VCV001419779.8), dbSNP rs747244579, ClinGen allele CA4517496.

ClinVar aggregate classification (germline): Uncertain significance (1 of 4 stars; one submission).

Conditions:
Sengers syndrome. Also called: MITOCHONDRIAL DNA DEPLETION SYNDROME 10 (CARDIOMYOPATHIC TYPE); Cardiomyopathy and cataract. Identifiers: Orphanet 1369, MedGen C1859317, MONDO:0008922, OMIM 212350.
Cataract 38. Also called: Cataract, autosomal recessive congenital 5; Cataract 38, autosomal recessive. Identifiers: Orphanet 91492, MedGen C3553494, MONDO:0013859, OMIM 614691.

Allele frequency attached by ClinVar (database versions not stated): ExAC 0.00002; gnomAD exomes 0.00002.
gnomAD v4.1: 8 of 1,613,316 alleles (0.0005%); highest among the groups gnomAD compares: East Asian, 0.013%; no homozygotes.

Submission:

Labcorp Genetics (formerly Invitae), Labcorp
Classification: Uncertain significance for Sengers syndrome; Cataract 38. Last evaluated: 2022-02-09. Review status: criteria provided, single submitter. Criteria: Invitae Variant Classification Sherloc (09022015). Collection method: clinical testing. Allele origin: germline.
Comment: In summary, the available evidence is currently insufficient to determine the role of this variant in disease. Therefore, it has been classified as a Variant of Uncertain Significance. Algorithms developed to predict the effect of missense changes on protein structure and function output the following: SIFT: "Tolerated"; PolyPhen-2: "Benign"; Align-GVGD: "Class C0". The isoleucine amino acid residue is found in multiple mammalian species, which suggests that this missense change does not adversely affect protein function. This variant has not been reported in the literature in individuals affected with AGK-related conditions. This variant is present in population databases (rs747244579, gnomAD 0.03%). This sequence change replaces valine, which is neutral and non-polar, with isoleucine, which is neutral and non-polar, at codon 188 of the AGK protein (p.Val188Ile).